The following is an entry in ClinVar:

NM_139057.4(ADAMTS17):c.2591+14T>G

Gene: ADAMTS17 (ADAM metallopeptidase with thrombospondin type 1 motif 17; minus strand). Cytogenetic location: 15q26.3.
Variant type: single nucleotide variant.
Coding change: c.2591+14T>G on transcript NM_139057.4 (MANE Select); 14 bases into the intron after coding-DNA position 2591, T replaced by G.
Molecular consequence: intron variant.
Genome position (GRCh38, 1-based): chr15:100,048,843, A>C on the plus strand (T>G on the coding strand, the complement: ADAMTS17 is on the minus strand). VCF-style: chr15-100048843-A-C. GRCh37 (hg19) VCF-style: chr15-100589048-A-C.
Identifiers: ClinVar variation 886509 (VCV000886509.12), dbSNP rs75585294, ClinGen allele CA7757675.
Genomic context (GRCh38, chr15:100,048,843, plus strand): 5'-TATCACTCCCCACCACTGATGGTGCTGCCGCCCCAGACTCTGGTGGGTCCAAGCTACAGA[A>C]CCCAGCTTCTTACCGTGACTGGCAGGGGTGCAAGTTGCACCTTCGGACCTGGGGCTCTGG-3'

ClinVar aggregate classification (germline): Benign. Review status: criteria provided, multiple submitters, no conflicts (2 of 4 stars). 3 submissions from 3 submitters: Benign (3). Last evaluated 2026-02-01.

Conditions:
Weill-Marchesani 4 syndrome, recessive. Also called: Weill-Marchesani syndrome 4. Identifiers: Orphanet 363992, MedGen C2750787, MONDO:0013176, OMIM 613195.

Allele frequency attached by ClinVar (database versions not stated): gnomAD exomes 0.00048 and 0.00131; ExAC 0.00159; 1000 Genomes Project 0.00399; gnomAD 0.00523 and 0.00566; 1000 Genomes Project 30x 0.00531; TOPMed 0.00613; ESP Exome Variant Server 0.00623.
gnomAD v4.1: 1,513 of 1,614,110 alleles (0.094%); highest among the groups gnomAD compares: African/African-American, 1.8%; 20 homozygotes.

Submissions (3):

Labcorp Genetics (formerly Invitae), Labcorp
Classification: Benign. Last evaluated: 2026-02-01. Review status: criteria provided, single submitter. Criteria: Invitae Variant Classification Sherloc (09022015). Collection method: clinical testing. Allele origin: germline.

Illumina Laboratory Services, Illumina
Classification: Benign for Weill-Marchesani 4 syndrome, recessive. Last evaluated: 2018-01-12. Review status: criteria provided, single submitter. Criteria: ICSL Variant Classification Criteria 13 December 2019. Collection method: clinical testing. Allele origin: germline.
Comment: This variant was observed in the ICSL laboratory as part of a predisposition screen in an ostensibly healthy population. It had not been previously curated by ICSL or reported in the Human Gene Mutation Database (HGMD: prior to June 1st, 2018), and was therefore a candidate for classification through an automated scoring system. Utilizing variant allele frequency, disease prevalence and penetrance estimates, and inheritance mode, an automated score was calculated to assess if this variant is too frequent to cause the disease. Based on the score and internal cut-off values, a variant classified as benign is not then subjected to further curation. The score for this variant resulted in a classification of benign for this disease.

Breakthrough Genomics
Classification: Benign. Review status: criteria provided, single submitter. Criteria: ACMG Guidelines, 2015. Collection method: not provided. Allele origin: germline. Inheritance: Autosomal recessive inheritance. Affected: yes.